The following is an entry in ClinVar:

ClinVar aggregate classification (germline): Uncertain significance (1 of 4 stars; one submission).

Submission:

Labcorp Genetics (formerly Invitae), Labcorp
Classification: Uncertain significance. Last evaluated: 2021-05-29. Review status: criteria provided, single submitter. Criteria: Invitae Variant Classification Sherloc (09022015). Collection method: clinical testing. Allele origin: germline.
Comment: Advanced modeling of protein sequence and biophysical properties (such as structural, functional, and spatial information, amino acid conservation, physicochemical variation, residue mobility, and thermodynamic stability) performed at Invitae indicates that this missense variant is not expected to disrupt LRP2 protein function. In summary, the available evidence is currently insufficient to determine the role of this variant in disease. Therefore, it has been classified as a Variant of Uncertain Significance. This sequence change replaces methionine with lysine at codon 1563 of the LRP2 protein (p.Met1563Lys). The methionine residue is weakly conserved and there is a moderate physicochemical difference between methionine and lysine. This variant is not present in population databases (ExAC no frequency). This variant has not been reported in the literature in individuals with LRP2-related conditions.

NM_004525.3(LRP2):c.4688T>A (p.Met1563Lys)

Gene: LRP2 (LDL receptor related protein 2; minus strand). Cytogenetic location: 2q31.1.
Variant type: single nucleotide variant.
Coding change: c.4688T>A on transcript NM_004525.3 (MANE Select); coding-DNA position 4688, T replaced by A.
Protein change: p.Met1563Lys; replaces methionine 1563 with lysine.
Molecular consequence: missense variant.
Genome position (GRCh38, 1-based): chr2:169,237,106, A>T on the plus strand (T>A on the coding strand, the complement: LRP2 is on the minus strand). VCF-style: chr2-169237106-A-T. GRCh37 (hg19) VCF-style: chr2-170093616-A-T.
Other names: short protein forms M1563K.
Identifiers: ClinVar variation 1479242 (VCV001479242.8), dbSNP rs2105376965, ClinGen allele CA349143048.